The following is an entry in ClinVar:

NM_001385079.1(PDE10A):c.1423G>A (p.Asp475Asn)

Gene: PDE10A (phosphodiesterase 10A; minus strand). Cytogenetic location: 6q27.
Variant type: single nucleotide variant.
Coding change: c.1423G>A on transcript NM_001385079.1 (MANE Select); coding-DNA position 1423, G replaced by A.
Protein change: p.Asp475Asn; replaces aspartic acid 475 with asparagine.
Molecular consequence: missense variant.
Genome position (GRCh38, 1-based): chr6:165,433,042, C>T on the plus strand (G>A on the coding strand, the complement: PDE10A is on the minus strand). VCF-style: chr6-165433042-C-T. GRCh37 (hg19) VCF-style: chr6-165846530-C-T.
Other names: c.625G>A, p.Asp209Asn (NM_001130690.3); c.595G>A, p.Asp199Asn (NM_006661.4); short protein forms D199N, D209N, D475N.
Identifiers: ClinVar variation 2503310 (VCV002503310.2), dbSNP rs2533999328, ClinGen allele CA366482650.

ClinVar aggregate classification (germline): Uncertain significance (1 of 4 stars; one submission).

Allele frequency attached by ClinVar (database versions not stated): gnomAD exomes below 0.00001.
gnomAD v4.1: 1 of 1,613,264 alleles (0.000062%); highest among the groups gnomAD compares: Non-Finnish European, 0.000085%; no homozygotes.

Submission:

GeneDx
Classification: Uncertain significance. Last evaluated: 2026-01-13. Review status: criteria provided, single submitter. Criteria: GeneDx Variant Classification Process June 2021. Collection method: clinical testing. Allele origin: germline.
Comment: Not observed at significant frequency in large population cohorts (gnomAD); In silico analysis indicates that this missense variant does not alter protein structure/function; Has not been previously published as pathogenic or benign to our knowledge